The following is an entry in ClinVar:

ClinVar aggregate classification (germline): Uncertain significance (1 of 4 stars; one submission).

Submission:

GeneDx
Classification: Uncertain significance. Last evaluated: 2022-10-09. Review status: criteria provided, single submitter. Criteria: GeneDx Variant Classification Process June 2021. Collection method: clinical testing. Allele origin: germline. Affected: yes.
Comment: Not observed at significant frequency in large population cohorts (gnomAD); In silico analysis supports that this missense variant has a deleterious effect on protein structure/function; Has not been previously published as pathogenic or benign to our knowledge; This variant is associated with the following publications: (PMID: 18409179)

NM_000489.6(ATRX):c.4882C>T (p.Leu1628Phe)

Gene: ATRX (ATRX chromatin remodeler; minus strand). Cytogenetic location: Xq21.1.
Variant type: single nucleotide variant.
Coding change: c.4882C>T on transcript NM_000489.6 (MANE Select); coding-DNA position 4882, C replaced by T.
Protein change: p.Leu1628Phe; replaces leucine 1628 with phenylalanine.
Molecular consequence: missense variant.
Genome position (GRCh38, 1-based): chrX:77,633,640, G>A on the plus strand (C>T on the coding strand, the complement: ATRX is on the minus strand). VCF-style: chrX-77633640-G-A. GRCh37 (hg19) VCF-style: chrX-76889128-G-A.
Other names: c.4768C>T, p.Leu1590Phe (NM_138270.5); short protein forms L1590F, L1628F.
Identifiers: ClinVar variation 2497915 (VCV002497915.1), dbSNP rs2068211810, ClinGen allele CA413704479.